The following is an entry in ClinVar:

NM_053025.4(MYLK):c.4355T>C (p.Val1452Ala)

Gene: MYLK (myosin light chain kinase; minus strand). Cytogenetic location: 3q21.1.
Variant type: single nucleotide variant.
Coding change: c.4355T>C on transcript NM_053025.4 (MANE Select); coding-DNA position 4355, T replaced by C.
Protein change: p.Val1452Ala; replaces valine 1452 with alanine.
Molecular consequence: missense variant.
Genome position (GRCh38, 1-based): chr3:123,649,031, A>G on the plus strand (T>C on the coding strand, the complement: MYLK is on the minus strand). VCF-style: chr3-123649031-A-G. GRCh37 (hg19) VCF-style: chr3-123367878-A-G.
Other names: c.3827T>C, p.Val1276Ala (NM_001321309.2); c.4148T>C, p.Val1383Ala (NM_053026.4, NM_053028.4); c.4355T>C, p.Val1452Ala (NM_053027.4); short protein forms V1383A, V1276A, V1452A.
Identifiers: ClinVar variation 3876590 (VCV003876590.1).

ClinVar aggregate classification (germline): Uncertain significance (1 of 4 stars; one submission).

Conditions:
Familial thoracic aortic aneurysm and aortic dissection (TAAD). Also called: Thoracic aortic aneurysms and dissections. Identifiers: Orphanet 91387, MedGen C4707243, MONDO:0019625.

Submission:

Ambry Genetics
Classification: Uncertain significance for Familial thoracic aortic aneurysm and aortic dissection. Last evaluated: 2025-02-10. Review status: criteria provided, single submitter. Criteria: Ambry Variant Classification Scheme 2023. Collection method: clinical testing. Allele origin: germline.
Comment: The p.V1452A variant (also known as c.4355T>C), located in coding exon 23 of the MYLK gene, results from a T to C substitution at nucleotide position 4355. The valine at codon 1452 is replaced by alanine, an amino acid with similar properties. This amino acid position is conserved. In addition, this alteration is predicted to be tolerated by in silico analysis. Based on the available evidence, the clinical significance of this variant remains unclear.